The following is an entry in ClinVar:

ClinVar aggregate classification (germline): Uncertain significance. Review status: criteria provided, multiple submitters, no conflicts (2 of 4 stars). 3 submissions from 3 submitters: Uncertain significance (3). Last evaluated 2024-03-07.

Conditions:
Nephropathic cystinosis (CTNS). Also called: Abderhalden Lignac Kaufmann disease; Abderhalden-Kaufmann-Lignac syndrome; CYSTINOSIN, DEFECT OF; LYSOSOMAL CYSTINE TRANSPORT PROTEIN, DEFECT OF. Identifiers: Orphanet 213, Orphanet 411629, MedGen C2931187, MONDO:0100151, OMIM 219800.
Ocular cystinosis. Also called: Non-Nephropathic Cystinosis; Non-Nephropathic (Ocular) Cystinosis. Identifiers: Orphanet 213, Orphanet 411641, MedGen C2931013, MONDO:0009064, OMIM 219750.
Juvenile nephropathic cystinosis. Also called: Intermediate Cystinosis; CYSTINOSIS, LATE-ONSET JUVENILE OR ADOLESCENT NEPHROPATHIC TYPE; Later-Onset (Juvenile) Cystinosis. Identifiers: Orphanet 213, Orphanet 411634, MedGen C0268626, MONDO:0009066, OMIM 219900.
Inborn genetic diseases. Identifiers: MedGen C0950123, MeSH D030342.

Allele frequency attached by ClinVar (database versions not stated): ExAC 0.00001; gnomAD exomes 0.00001; TOPMed 0.00002; gnomAD 0.00003.
gnomAD v4.1: 25 of 1,614,050 alleles (0.0015%); highest among the groups gnomAD compares: Admixed American, 0.0067%; no homozygotes.

Submissions (3):

Fulgent Genetics
Classification: Uncertain significance for Ocular cystinosis; Nephropathic cystinosis; Juvenile nephropathic cystinosis. Last evaluated: 2024-03-07. Review status: criteria provided, single submitter. Criteria: ACMG Guidelines, 2015. Collection method: clinical testing. Allele origin: germline.

Labcorp Genetics (formerly Invitae), Labcorp
Classification: Uncertain significance for Inborn genetic diseases; Ocular cystinosis; Juvenile nephropathic cystinosis. Last evaluated: 2022-03-26. Review status: criteria provided, single submitter. Criteria: Invitae Variant Classification Sherloc (09022015). Collection method: clinical testing. Allele origin: germline.
Comment: This sequence change replaces asparagine, which is neutral and polar, with serine, which is neutral and polar, at codon 93 of the CTNS protein (p.Asn93Ser). This variant is present in population databases (rs779540615, gnomAD 0.006%). This variant has not been reported in the literature in individuals affected with CTNS-related conditions. Advanced modeling of protein sequence and biophysical properties (such as structural, functional, and spatial information, amino acid conservation, physicochemical variation, residue mobility, and thermodynamic stability) performed at Invitae indicates that this missense variant is not expected to disrupt CTNS protein function. In summary, the available evidence is currently insufficient to determine the role of this variant in disease. Therefore, it has been classified as a Variant of Uncertain Significance.

Ambry Genetics
Classification: Uncertain significance for Inborn genetic diseases. Last evaluated: 2021-09-30. Review status: criteria provided, single submitter. Criteria: Ambry Variant Classification Scheme 2023. Collection method: clinical testing. Allele origin: germline.

NM_004937.3(CTNS):c.278A>G (p.Asn93Ser)

Genes: CTNS (cystinosin, lysosomal cystine transporter; plus strand), CTNS-AS1 (CTNS antisense RNA 1; minus strand). Cytogenetic location: 17p13.2.
Variant type: single nucleotide variant.
Coding change: c.278A>G on transcript NM_004937.3 (MANE Select); coding-DNA position 278, A replaced by G.
Protein change: p.Asn93Ser; replaces asparagine 93 with serine.
Molecular consequence: missense variant. On other transcripts: 5 prime UTR variant (4).
Genome position (GRCh38, 1-based): chr17:3,655,050, A>G. VCF-style: chr17-3655050-A-G. GRCh37 (hg19) VCF-style: chr17-3558344-A-G.
Other names: c.278A>G, p.Asn93Ser (NM_001031681.3, NM_001374492.1); c.-164A>G (NM_001374493.1, NM_001374494.1, NM_001374495.1 and 1 more transcripts); c.278A>G (NM_004937.2); short protein forms N93S.
Identifiers: ClinVar variation 2162357 (VCV002162357.3), dbSNP rs779540615, ClinGen allele CA8291651.